The following is an entry in ClinVar:

ClinVar aggregate classification (germline): Uncertain significance (1 of 4 stars; one submission).

Conditions:
Rubinstein-Taybi syndrome due to EP300 haploinsufficiency. Also called: EP300-Related Rubinstein-Taybi Syndrome; RUBINSTEIN-TAYBI SYNDROME 2. Identifiers: Orphanet 353284, Orphanet 783, MedGen C3150941, MONDO:0013364, OMIM 613684.

Submission:

Labcorp Genetics (formerly Invitae), Labcorp
Classification: Uncertain significance for Rubinstein-Taybi syndrome due to EP300 haploinsufficiency. Last evaluated: 2024-12-19. Review status: criteria provided, single submitter. Criteria: Invitae Variant Classification Sherloc (09022015). Collection method: clinical testing. Allele origin: germline.
Comment: This variant, c.6981_6983del, results in the deletion of 1 amino acid(s) of the EP300 protein (p.Ser2328del), but otherwise preserves the integrity of the reading frame. This variant is not present in population databases (gnomAD no frequency). This variant has not been reported in the literature in individuals affected with EP300-related conditions. Experimental studies and prediction algorithms are not available or were not evaluated, and the functional significance of this variant is currently unknown. In summary, the available evidence is currently insufficient to determine the role of this variant in disease. Therefore, it has been classified as a Variant of Uncertain Significance.

NM_001429.4(EP300):c.6981_6983del (p.Ser2328del)

Gene: EP300 (EP300 lysine acetyltransferase; plus strand). Cytogenetic location: 22q13.2.
Variant type: Deletion.
Coding change: c.6981_6983del on transcript NM_001429.4 (MANE Select); coding-DNA positions 6981 to 6983, 3 bases deleted (TTC; older notation c.6981_6983delTTC).
Protein change: p.Ser2328del; deletes serine 2328.
Genome position (GRCh38, 1-based): chr22:41,178,692-41,178,694, TTC deleted; deleting any 3 consecutive bases within chr22:41,178,691-41,178,694 gives the same sequence; the c. name uses the placement nearest the transcript's 3' end. VCF-style (leftmost placement, unchanged base first): chr22-41178690-CCTT-C. GRCh37 (hg19) VCF-style: chr22-41574694-CCTT-C.
Other names: c.6903_6905del, p.Ser2302del (NM_001362843.2); short protein forms S2328del, S2302del.
Identifiers: ClinVar variation 3640389 (VCV003640389.2).